The following is an entry in ClinVar:

NM_182931.3(KMT2E):c.3178C>T (p.Arg1060Trp)

Gene: KMT2E (lysine methyltransferase 2E (inactive); plus strand). Cytogenetic location: 7q22.3.
Variant type: single nucleotide variant.
Coding change: c.3178C>T on transcript NM_182931.3 (MANE Select); coding-DNA position 3178, C replaced by T.
Protein change: p.Arg1060Trp; replaces arginine 1060 with tryptophan.
Molecular consequence: missense variant.
Genome position (GRCh38, 1-based): chr7:105,107,635, C>T. VCF-style: chr7-105107635-C-T. GRCh37 (hg19) VCF-style: chr7-104748082-C-T.
Other names: c.3178C>T, p.Arg1060Trp (NM_001410908.1, NM_018682.4); short protein forms R1060W.
Identifiers: ClinVar variation 2793465 (VCV002793465.3), dbSNP rs745326907, ClinGen allele CA4424424.

ClinVar aggregate classification (germline): Uncertain significance (1 of 4 stars; one submission).

Allele frequency attached by ClinVar (database versions not stated): gnomAD exomes below 0.00001; ExAC 0.00002.
gnomAD v4.1: 5 of 1,614,086 alleles (0.00031%); highest among the groups gnomAD compares: Middle Eastern, 0.016%; no homozygotes.

Submission:

Labcorp Genetics (formerly Invitae), Labcorp
Classification: Uncertain significance. Last evaluated: 2024-01-08. Review status: criteria provided, single submitter. Criteria: Invitae Variant Classification Sherloc (09022015). Collection method: clinical testing. Allele origin: germline.
Comment: This sequence change replaces arginine, which is basic and polar, with tryptophan, which is neutral and slightly polar, at codon 1060 of the KMT2E protein (p.Arg1060Trp). This variant is present in population databases (rs745326907, gnomAD 0.002%). This variant has not been reported in the literature in individuals affected with KMT2E-related conditions. Advanced modeling of protein sequence and biophysical properties (such as structural, functional, and spatial information, amino acid conservation, physicochemical variation, residue mobility, and thermodynamic stability) performed at Invitae indicates that this missense variant is not expected to disrupt KMT2E protein function with a negative predictive value of 80%. In summary, the available evidence is currently insufficient to determine the role of this variant in disease. Therefore, it has been classified as a Variant of Uncertain Significance.